The following is an entry in ClinVar:

NM_003978.5(PSTPIP1):c.563-252A>G

Gene: PSTPIP1 (proline-serine-threonine phosphatase interacting protein 1; plus strand). Cytogenetic location: 15q24.3.
Variant type: single nucleotide variant.
Coding change: c.563-252A>G on transcript NM_003978.5 (MANE Select); 252 bases into the intron before coding-DNA position 563, A replaced by G.
Molecular consequence: intron variant.
Genome position (GRCh38, 1-based): chr15:77,030,250, A>G. VCF-style: chr15-77030250-A-G. GRCh37 (hg19) VCF-style: chr15-77322591-A-G.
Other names: c.758-252A>G (NM_001321137.1); c.536-252A>G (NM_001321136.2); c.563-252A>G (NM_001321135.2).
Identifiers: ClinVar variation 672558 (VCV000672558.1), dbSNP rs112105697, ClinGen allele CA273757457.
Genomic context (GRCh38, chr15:77,030,250, plus strand): 5'-CTGAACCTCAGTTTCCCCTCTGGAAAGTGAGGTGGGGCGCCCAGAGATGCCCAGAGGCCA[A>G]TACTCTGGACTTGCATATATGAGGCTCCACTCCAGCCCTCAGGCAGCTCAGAGCACAGTT-3'

ClinVar aggregate classification (germline): Likely benign (1 of 4 stars; one submission).

Allele frequency attached by ClinVar (database versions not stated): gnomAD 0.00940; TOPMed 0.01102; 1000 Genomes Project 30x 0.01202; 1000 Genomes Project 0.01258.
gnomAD v4.1: 1,533 of 152,332 alleles (1%); highest among the groups gnomAD compares: African/African-American, 3.5%; 24 homozygotes.

Submission:

GeneDx
Classification: Likely benign. Last evaluated: 2018-06-14. Review status: criteria provided, single submitter. Criteria: GeneDx Variant Classification (06012015). Collection method: clinical testing. Allele origin: germline. Affected: yes.
Comment: This variant is considered likely benign or benign based on one or more of the following criteria: it is a conservative change, it occurs at a poorly conserved position in the protein, it is predicted to be benign by multiple in silico algorithms, and/or has population frequency not consistent with disease.